The following is an entry in ClinVar:

NM_006846.4(SPINK5):c.2264dup (p.Asn755fs)

Gene: SPINK5 (serine peptidase inhibitor Kazal type 5; plus strand). Cytogenetic location: 5q32.
Variant type: Duplication.
Coding change: c.2264dup on transcript NM_006846.4 (MANE Select); coding-DNA position 2264, one base duplicated (A; older notation c.2264dupA).
Protein change: p.Asn755fs; shifts the reading frame from asparagine 755.
Molecular consequence: frameshift variant.
Genome position (GRCh38, 1-based): chr5:148,119,009, A duplicated; the last of 6 consecutive A bases (chr5:148,119,004-148,119,009); duplicating any one gives the same sequence. VCF-style (leftmost placement, unchanged base first): chr5-148119003-G-GA. GRCh37 (hg19) VCF-style: chr5-147498566-G-GA.
Other names: c.2264dup, p.Asn755fs (NM_001127698.2, NM_001127699.2); c.2264dupA (NM_006846.3); short protein forms N755fs.
Identifiers: ClinVar variation 279899 (VCV000279899.12), dbSNP rs748978134, ClinGen allele CA3495927.
Genomic context (GRCh38, chr5:148,119,003, plus strand): 5'-AATATTTGTTAACAAGATGAATATTCACTTTTTTCTCCTCCAGGGAAAGAGAAGCAGAGA[G>GA]AAAAAATGAGTATTCTCGCTCCAGATCAAATGGGACTGGATCAGAATCAGGGAAGGTGAG-3'

ClinVar aggregate classification (germline): Pathogenic. Review status: criteria provided, multiple submitters, no conflicts (2 of 4 stars). 4 submissions from 4 submitters: Pathogenic (4). Last evaluated 2025-01-26.

Conditions:
SPINK5-related disorder. Also called: SPINK5-related condition.
Netherton syndrome (NETH). Also called: NETHERTON DISEASE; ERYTHRODERMA, ICHTHYOSIFORM, WITH HYPOTRICHOSIS AND HYPER-IgE; COMEL-NETHERTON SYNDROME. Identifiers: Orphanet 634, MedGen C5574950, MONDO:0009735, OMIM 256500.
Ichthyosis linearis circumflexa. Identifiers: MedGen C0265962, MONDO:0043106, HP:0025810.

Submissions (4):

Labcorp Genetics (formerly Invitae), Labcorp
Classification: Pathogenic for Ichthyosis linearis circumflexa. Last evaluated: 2025-01-26. Review status: criteria provided, single submitter. Criteria: Invitae Variant Classification Sherloc (09022015). Collection method: clinical testing. Allele origin: germline.
Comment: This sequence change creates a premature translational stop signal (p.Asn755Lysfs*2) in the SPINK5 gene. It is expected to result in an absent or disrupted protein product. Loss-of-function variants in SPINK5 are known to be pathogenic (PMID: 11511292, 11841556). This variant is present in population databases (rs748978134, gnomAD 0.009%). This premature translational stop signal has been observed in individual(s) with clinical features of Netherton syndrome (PMID: 11511292, 32573669). ClinVar contains an entry for this variant (Variation ID: 279899). For these reasons, this variant has been classified as Pathogenic.

Blueprint Genetics
Classification: Pathogenic for SPINK5-related disorders. Last evaluated: 2024-08-28. Review status: criteria provided, single submitter. Criteria: ACMG Guidelines, 2015. Collection method: clinical testing. Allele origin: germline. Affected: yes. Observed: 5 variant alleles.

GeneDx
Classification: Pathogenic. Last evaluated: 2020-12-08. Review status: criteria provided, single submitter. Criteria: GeneDx Variant Classification Process June 2021. Collection method: clinical testing. Allele origin: germline. Affected: yes.
Comment: Frameshift variant predicted to result in protein truncation or nonsense mediated decay in a gene for which loss-of-function is a known mechanism of disease; This variant is associated with the following publications: (PMID: 11511292, 11841556, 32573669)

Victorian Clinical Genetics Services, Murdoch Childrens Research Institute
Classification: Pathogenic for Netherton syndrome. Last evaluated: 2018-09-16. Review status: criteria provided, single submitter. Criteria: ACMG Guidelines, 2015. Collection method: clinical testing. Allele origin: maternal. Affected: yes. Observed: 2 variant alleles.
Comment: A heterozygous duplication variant, NM_006846.3(SPINK5):c.2264dupA, has been identified in exon 24 of 31 of the SPINK5 gene. The variant is predicted to result in a frameshift at position 755 of the protein (NP_006837.2(SPINK5):p.(Asn755LysfsTer2)), and result in loss of protein function through nonsense-mediated decay, which is a reported mechanism of pathogenicity for this gene. However, truncation of the protein as a result of a NMD-escape mechanism has not been excluded. The variant is present in the gnomAD database at a frequency of 0.004% (11 heterozygotes, 0 homozygotes). The variant has been previously described as pathogenic in several individuals with Netherton syndrome (ClinVar, Sprecher E. et al., (2001), Bitoun E. et al., (2002)). Based on the information available at the time of curation, this variant has been classified as PATHOGENIC.

Literature cited by the submitters: PubMed 11511292 (cited by Labcorp Genetics (formerly Invitae), Labcorp); PubMed 11841556 (cited by Labcorp Genetics (formerly Invitae), Labcorp); PubMed 32573669 (cited by Labcorp Genetics (formerly Invitae), Labcorp).